The following is an entry in ClinVar:

ClinVar aggregate classification (germline): Uncertain significance. Review status: criteria provided, multiple submitters, no conflicts (2 of 4 stars). 4 submissions from 4 submitters: Uncertain significance (4). Last evaluated 2019-01-03.

Conditions:
Charcot-Marie-Tooth disease type 4F. Also called: Charcot-Marie-Tooth disease, demyelinating, type 4F. Identifiers: Orphanet 99952, MedGen C3540453, MONDO:0013959, OMIM 614895.
Charcot-Marie-Tooth disease. Also called: Charcot-Marie-Tooth Neuropathy; Charcot-Marie-Tooth Hereditary Neuropathy. Identifiers: Orphanet 166, MedGen C0007959, MONDO:0015626.

Submissions (4):

Centre for Mendelian Genomics, University Medical Centre Ljubljana
Classification: Uncertain significance for Charcot-Marie-Tooth disease type 4F. Last evaluated: 2019-01-03. Review status: criteria provided, single submitter. Criteria: ACMG Guidelines, 2015. Collection method: clinical testing. Allele origin: unknown. Affected: yes.
Comment: This variant was classified as: Uncertain significance. The following ACMG criteria were applied in classifying this variant: PM2.

Blueprint Genetics
Classification: Uncertain significance. Last evaluated: 2018-01-19. Review status: criteria provided, single submitter. Criteria: ACMG Guidelines, 2015. Collection method: clinical testing. Allele origin: germline.

Breakthrough Genomics
Classification: Uncertain significance. Review status: criteria provided, single submitter. Criteria: ACMG Guidelines, 2015. Collection method: not provided. Allele origin: germline. Inheritance: Autosomal dominant inheritance. Affected: yes.

Molecular Genetics Laboratory, London Health Sciences Centre
Classification: Uncertain significance for Charcot-Marie-Tooth disease. Review status: criteria provided, single submitter. Criteria: ACMG Guidelines, 2015. Collection method: clinical testing. Allele origin: germline. Affected: yes.

NM_181882.3(PRX):c.3767T>G (p.Val1256Gly)

Gene: PRX (periaxin; minus strand). Cytogenetic location: 19q13.2.
Variant type: single nucleotide variant.
Coding change: c.3767T>G on transcript NM_181882.3 (MANE Select); coding-DNA position 3767, T replaced by G.
Protein change: p.Val1256Gly; replaces valine 1256 with glycine.
Molecular consequence: missense variant. On other transcripts: 3 prime UTR variant (1).
Genome position (GRCh38, 1-based): chr19:40,394,585, A>C on the plus strand (T>G on the coding strand, the complement: PRX is on the minus strand). VCF-style: chr19-40394585-A-C. GRCh37 (hg19) VCF-style: chr19-40900492-A-C.
Other names: c.*3972T>G (NM_020956.2); short protein forms V1256G.
Identifiers: ClinVar variation 916823 (VCV000916823.6), dbSNP rs2079412133, ClinGen allele CA405892281.
Genomic context (GRCh38, chr19:40,394,585, plus strand): 5'-AGTGAGAGGCAGAAGGTACGCTCGGCCCCTGGGGGCTGCTCCTCAGCACCCTCGCCCCCC[A>C]CCCTAGCTCTGGCCCCCAGTGTGGGCAACTTCAGCCTCAGCCCACCCTCGCCTGTGGCCG-3'
Protein context (NP_870998.2, residues 1246-1266): KLPTLGARAR[Val1256Gly]GGEGAEEQPP